The following is an entry in ClinVar:

ClinVar aggregate classification (germline): Benign. Review status: criteria provided, multiple submitters, no conflicts (2 of 4 stars). 6 submissions from 6 submitters: Benign (5). 1 of the submissions does not count toward it. Last evaluated 2025-09-03.

Conditions:
VPS35-related disorder. Also called: VPS35-related condition.
Parkinson disease 17 (PARK17). Also called: VPS35-Related Parkinson Disease. Identifiers: Orphanet 411602, MedGen C3280133, MONDO:0013625, OMIM 614203.

Allele frequency attached by ClinVar (database versions not stated): gnomAD exomes 0.00048 and 0.00120; ExAC 0.00154; gnomAD 0.00450 and 0.00480; 1000 Genomes Project 0.00479; TOPMed 0.00488; 1000 Genomes Project 30x 0.00500; ESP Exome Variant Server 0.00531.
gnomAD v4.1: 1,416 of 1,614,116 alleles (0.088%); highest among the groups gnomAD compares: African/African-American, 1.7%; 11 homozygotes.

Submissions (6):

Labcorp Genetics (formerly Invitae), Labcorp
Classification: Benign for Parkinson disease 17. Last evaluated: 2025-09-03. Review status: criteria provided, single submitter. Criteria: Invitae Variant Classification Sherloc (09022015). Collection method: clinical testing. Allele origin: germline.

Mayo Clinic Laboratories, Mayo Clinic
Classification: Benign. Last evaluated: 2025-06-30. Review status: criteria provided, single submitter. Criteria: ACMG Guidelines, 2015. Collection method: clinical testing. Allele origin: germline. Observed: 1 variant allele.
Comment: BS1, BS2, BP4_moderate

GeneDx
Classification: Benign. Last evaluated: 2020-06-10. Review status: criteria provided, single submitter. Criteria: GeneDx Variant Classification Process June 2021. Collection method: clinical testing. Allele origin: germline. Affected: yes.
Comment: This variant is associated with the following publications: (PMID: 32323152)

Illumina Laboratory Services, Illumina
Classification: Benign for Parkinson disease 17. Last evaluated: 2018-01-13. Review status: criteria provided, single submitter. Criteria: ICSL Variant Classification Criteria 13 December 2019. Collection method: clinical testing. Allele origin: germline.
Comment: This variant was observed in the ICSL laboratory as part of a predisposition screen in an ostensibly healthy population. It had not been previously curated by ICSL or reported in the Human Gene Mutation Database (HGMD: prior to June 1st, 2018), and was therefore a candidate for classification through an automated scoring system. Utilizing variant allele frequency, disease prevalence and penetrance estimates, and inheritance mode, an automated score was calculated to assess if this variant is too frequent to cause the disease. Based on the score and internal cut-off values, a variant classified as benign is not then subjected to further curation. The score for this variant resulted in a classification of benign for this disease.

Breakthrough Genomics
Classification: Benign. Review status: criteria provided, single submitter. Criteria: ACMG Guidelines, 2015. Collection method: not provided. Allele origin: germline. Inheritance: Autosomal dominant inheritance. Affected: yes.

PreventionGenetics, part of Exact Sciences
Classification: Benign for VPS35-related condition. Last evaluated: 2024-05-21. Review status: no assertion criteria provided. Collection method: clinical testing. Allele origin: germline. Not counted in ClinVar's aggregate classification.
Comment: This variant is classified as benign based on ACMG/AMP sequence variant interpretation guidelines (Richards et al. 2015 PMID: 25741868, with internal and published modifications).

Literature cited by the submitters: PubMed 37256495 (cited by Mayo Clinic Laboratories, Mayo Clinic).

NM_018206.6(VPS35):c.1145A>G (p.Lys382Arg)

Gene: VPS35 (VPS35 retromer complex component; minus strand). Cytogenetic location: 16q11.2.
Variant type: single nucleotide variant.
Coding change: c.1145A>G on transcript NM_018206.6 (MANE Select); coding-DNA position 1145, A replaced by G.
Protein change: p.Lys382Arg; replaces lysine 382 with arginine.
Molecular consequence: missense variant.
Genome position (GRCh38, 1-based): chr16:46,674,329, T>C on the plus strand (A>G on the coding strand, the complement: VPS35 is on the minus strand). VCF-style: chr16-46674329-T-C. GRCh37 (hg19) VCF-style: chr16-46708241-T-C.
Other names: p.Lys382Arg; c.1145A>G (NM_018206.5); short protein forms K382R.
Identifiers: ClinVar variation 319292 (VCV000319292.21), dbSNP rs116254156, ClinGen allele CA8036882.
Genomic context (GRCh38, chr16:46,674,329, plus strand): 5'-ACAAAAATATCTTTGAGGATTTTTACAAAAATGTAACTGACTTACTGTTCAAGGTTGAGC[T>C]TATTGAATATCTCCACTGTTGTTTCTAGAACTTTATCAACATAGTCCACACGATCAGGGT-3'
Protein context (NP_060676.2, residues 372-392): VLETTVEIFN[Lys382Arg]LNLEHIATSS